The following is an entry in ClinVar:

NM_000501.4(ELN):c.326-7T>A

Gene: ELN (elastin; plus strand). Cytogenetic location: 7q11.23.
Variant type: single nucleotide variant.
Coding change: c.326-7T>A on transcript NM_000501.4 (MANE Select); 7 bases into the intron before coding-DNA position 326, T replaced by A.
Molecular consequence: intron variant.
Genome position (GRCh38, 1-based): chr7:74,042,977, T>A. VCF-style: chr7-74042977-T-A. GRCh37 (hg19) VCF-style: chr7-73457307-T-A.
Other names: c.326-7T>A (NM_001081754.3, NM_001081753.3, NM_001278939.2 and 4 more transcripts); c.290-7T>A (NM_001278913.2); c.296-7T>A (NM_001278914.2, NM_001278917.2, NM_001081752.3 and 1 more transcripts).
Identifiers: ClinVar variation 4804860 (VCV004804860.1).

ClinVar aggregate classification (germline): Uncertain significance (1 of 4 stars; one submission).

Conditions:
Supravalvar aortic stenosis (SVAS). Also called: Supravalvar aortic stenosis, Eisenberg type. Identifiers: Orphanet 3193, MedGen C0003499, MONDO:0008504, OMIM 185500, HP:0004381.

Submission:

Labcorp Genetics (formerly Invitae), Labcorp
Classification: Uncertain significance for Supravalvar aortic stenosis. Last evaluated: 2025-03-13. Review status: criteria provided, single submitter. Criteria: Invitae Variant Classification Sherloc (09022015). Collection method: clinical testing. Allele origin: germline.
Comment: This sequence change falls in intron 6 of the ELN gene. It does not directly change the encoded amino acid sequence of the ELN protein. This variant is not present in population databases (gnomAD no frequency). This variant has not been reported in the literature in individuals affected with ELN-related conditions. Algorithms developed to predict the effect of sequence changes on RNA splicing suggest that this variant may disrupt the consensus splice site. In summary, the available evidence is currently insufficient to determine the role of this variant in disease. Therefore, it has been classified as a Variant of Uncertain Significance.